The following is an entry in ClinVar:

NM_198253.3(TERT):c.1854G>A (p.Thr618=)

Gene: TERT (telomerase reverse transcriptase; minus strand). Cytogenetic location: 5p15.33.
Variant type: single nucleotide variant.
Coding change: c.1854G>A on transcript NM_198253.3 (MANE Select); coding-DNA position 1854, G replaced by A.
Protein change: p.Thr618=; no amino-acid change (threonine 618 retained).
Molecular consequence: synonymous variant. On other transcripts: non-coding transcript variant (2).
Genome position (GRCh38, 1-based): chr5:1,280,254, C>T on the plus strand (G>A on the coding strand, the complement: TERT is on the minus strand). VCF-style: chr5-1280254-C-T. GRCh37 (hg19) VCF-style: chr5-1280369-C-T.
Other names: c.1854G>A, p.Thr618= (NM_001193376.3).
Identifiers: ClinVar variation 416287 (VCV000416287.21), dbSNP rs746040728, ClinGen allele CA3184739.

ClinVar aggregate classification (germline): Likely benign. Review status: criteria provided, multiple submitters, no conflicts (2 of 4 stars). 3 submissions from 3 submitters: Likely benign (3). Last evaluated 2025-03-01.

Conditions:
Idiopathic Pulmonary Fibrosis. Also called: Idiopathic fibrosing alveolitis, chronic form; idiopathic fibrosing alveolitis. Identifiers: Orphanet 2032, MedGen C1800706, MeSH D054990, MONDO:0800504.
Dyskeratosis congenita, autosomal dominant 2. Identifiers: MedGen C3151443, MONDO:0013521, OMIM 613989.
Dyskeratosis congenita. Identifiers: Orphanet 1775, MedGen C0265965, MONDO:0015780.

Allele frequency attached by ClinVar (database versions not stated): gnomAD 0.00001 and 0.00002; TOPMed 0.00001.
gnomAD v4.1: 76 of 1,613,818 alleles (0.0047%); highest among the groups gnomAD compares: Middle Eastern, 0.016%; no homozygotes.

Submissions (3):

CeGaT Center for Human Genetics Tuebingen
Classification: Likely benign. Last evaluated: 2025-03-01. Review status: criteria provided, single submitter. Criteria: CeGaT Center For Human Genetics Tuebingen Variant Classification Criteria Version 2. Collection method: clinical testing. Allele origin: germline. Affected: yes. Observed: 1 variant allele.
Comment: TERT: BP4, BP7

Labcorp Genetics (formerly Invitae), Labcorp
Classification: Likely benign for Dyskeratosis congenita, autosomal dominant 2; Idiopathic Pulmonary Fibrosis. Last evaluated: 2024-12-10. Review status: criteria provided, single submitter. Criteria: Invitae Variant Classification Sherloc (09022015). Collection method: clinical testing. Allele origin: germline.

Ambry Genetics
Classification: Likely benign for Dyskeratosis congenita. Last evaluated: 2022-03-14. Review status: criteria provided, single submitter. Criteria: Ambry Variant Classification Scheme 2023. Collection method: clinical testing. Allele origin: germline.